The following is an entry in ClinVar:

NM_000214.3(JAG1):c.1269C>A (p.Asn423Lys)

Gene: JAG1 (jagged canonical Notch ligand 1; minus strand). Cytogenetic location: 20p12.2.
Variant type: single nucleotide variant.
Coding change: c.1269C>A on transcript NM_000214.3 (MANE Select); coding-DNA position 1269, C replaced by A.
Protein change: p.Asn423Lys; replaces asparagine 423 with lysine.
Molecular consequence: missense variant.
Genome position (GRCh38, 1-based): chr20:10,649,601, G>T on the plus strand (C>A on the coding strand, the complement: JAG1 is on the minus strand). VCF-style: chr20-10649601-G-T. GRCh37 (hg19) VCF-style: chr20-10630249-G-T.
Other names: c.1269C>A (NM_000214.2); short protein forms N423K.
Identifiers: ClinVar variation 1983587 (VCV001983587.5), dbSNP rs200498563, ClinGen allele CA9764925.

ClinVar aggregate classification (germline): Uncertain significance. Review status: criteria provided, multiple submitters, no conflicts (2 of 4 stars). 2 submissions from 2 submitters: Uncertain significance (2). Last evaluated 2026-05-13.

Conditions:
Alagille syndrome due to a JAG1 point mutation. Also called: Alagille Syndrome 1; HEPATIC DUCTULAR HYPOPLASIA, SYNDROMATIC; JAG1-Related Alagille Syndrome. Identifiers: Orphanet 261619, Orphanet 52, MedGen C1956125, MONDO:0016862, OMIM 118450.
JAG1-related disorder. Also called: JAG1-related disorders; JAG1-related condition.

gnomAD v4.1: 11 of 1,613,640 alleles (0.00068%); highest among the groups gnomAD compares: South Asian, 0.012%; no homozygotes.

Submissions (2):

PreventionGenetics, part of Exact Sciences
Classification: Uncertain significance for JAG1-related condition. Last evaluated: 2026-05-13. Review status: criteria provided, single submitter. Criteria: ACMG Guidelines, 2015. Collection method: clinical testing. Allele origin: germline.
Comment: The JAG1 c.1269C>A variant is predicted to result in the amino acid substitution p.Asn423Lys. To our knowledge, this variant has not been reported in the literature. This variant is reported in 0.013% of alleles in individuals of South Asian descent in gnomAD. At this time, the clinical significance of this variant is uncertain due to the absence of conclusive functional and genetic evidence.

Labcorp Genetics (formerly Invitae), Labcorp
Classification: Uncertain significance for Alagille syndrome due to a JAG1 point mutation. Last evaluated: 2022-02-28. Review status: criteria provided, single submitter. Criteria: Invitae Variant Classification Sherloc (09022015). Collection method: clinical testing. Allele origin: germline.
Comment: This sequence change replaces asparagine, which is neutral and polar, with lysine, which is basic and polar, at codon 423 of the JAG1 protein (p.Asn423Lys). This variant is present in population databases (rs200498563, gnomAD 0.01%). This variant has not been reported in the literature in individuals affected with JAG1-related conditions. Algorithms developed to predict the effect of missense changes on protein structure and function (SIFT, PolyPhen-2, Align-GVGD) all suggest that this variant is likely to be disruptive. In summary, the available evidence is currently insufficient to determine the role of this variant in disease. Therefore, it has been classified as a Variant of Uncertain Significance.